The following is an entry in ClinVar:

ClinVar aggregate classification (germline): Pathogenic. Review status: criteria provided, multiple submitters, no conflicts (2 of 4 stars). 10 submissions from 10 submitters: Pathogenic (8). 2 of the submissions do not count toward it. Last evaluated 2025-04-15.

Conditions:
Retinal dystrophy. Also called: Inherited retinal dystrophy. Identifiers: Orphanet 71862, MedGen C0854723, MeSH D058499, MONDO:0019118, HP:0000556.
Retinitis pigmentosa 74 (RP74). Identifiers: Orphanet 791, MedGen C4225281, MONDO:0014692, OMIM 616562.
Bardet-Biedl syndrome 2 (BBS2). Identifiers: Orphanet 110, MedGen C2936863, MONDO:0014432, OMIM 615981.
BBS2-related disorder. Also called: BBS2-related disorders; BBS2-related condition. Identifiers: MedGen CN239228.
Bardet-Biedl syndrome (BBS). Identifiers: Orphanet 110, MedGen C0752166, MONDO:0015229.

Allele frequency attached by ClinVar (database versions not stated): gnomAD exomes below 0.00001 and 0.00001; gnomAD 0.00001; TOPMed 0.00001.

Submissions (10):

Natera, Inc.
Classification: Pathogenic for Bardet-Biedl syndrome type 2. Last evaluated: 2025-04-15. Review status: criteria provided, single submitter. Criteria: Natera Variant Classification Schema (03/2026). Collection method: clinical testing. Allele origin: germline.
Comment: The c.563delT variant in BBS2 is a frameshift variant predicted to shift the reading frame beginning at codon 188 and leads to a stop codon 13 codons downstream. This variant is expected to result in nonsense mediated decay, truncation, or a dysfunctional protein product. This variant is rare in the general population with a frequency below the threshold expected for the associated phenotype(s). This variant has been observed in one or more individuals affected with the associated recessive disease, as either homozygous or compound heterozygous with a second variant (PMID: 24608809, 31960602). Given the available evidence, this variant is classified as Pathogenic.

Labcorp Genetics (formerly Invitae), Labcorp
Classification: Pathogenic for Bardet-Biedl syndrome. Last evaluated: 2024-04-06. Review status: criteria provided, single submitter. Criteria: Invitae Variant Classification Sherloc (09022015). Collection method: clinical testing. Allele origin: germline.
Comment: This sequence change creates a premature translational stop signal (p.Ile188Thrfs*13) in the BBS2 gene. It is expected to result in an absent or disrupted protein product. Loss-of-function variants in BBS2 are known to be pathogenic (PMID: 11285252, 20177705, 24608809, 26518167). This variant is present in population databases (no rsID available, gnomAD 0.02%). This premature translational stop signal has been observed in individuals with Bardet-Biedl syndrome and retinitis pigmentosa (PMID: 24608809, 31960602). ClinVar contains an entry for this variant (Variation ID: 552531). For these reasons, this variant has been classified as Pathogenic.

Baylor Genetics
Classification: Pathogenic for Bardet-Biedl syndrome 2. Last evaluated: 2024-03-25. Review status: criteria provided, single submitter. Criteria: ACMG Guidelines, 2015. Collection method: clinical testing. Allele origin: unknown.

Daryl Scott Lab, Baylor College of Medicine
Classification: Pathogenic for BBS2-related disorder. Last evaluated: 2024-01-01. Review status: criteria provided, single submitter. Criteria: ACMG Guidelines, 2015. Collection method: clinical testing. Allele origin: paternal. Observed: 1 heterozygote.
Comment: PVS1, PS4

Fulgent Genetics
Classification: Pathogenic for Bardet-Biedl syndrome 2; Retinitis pigmentosa 74. Last evaluated: 2021-08-17. Review status: criteria provided, single submitter. Criteria: ACMG Guidelines, 2015. Collection method: clinical testing. Allele origin: unknown.

Women's Health and Genetics/Laboratory Corporation of America, LabCorp
Classification: Pathogenic for Bardet-Biedl syndrome. Last evaluated: 2021-07-11. Review status: criteria provided, single submitter. Criteria: LabCorp Variant Classification Summary - May 2015. Collection method: clinical testing. Allele origin: germline.
Comment: Variant summary: BBS2 c.563delT (p.Ile188ThrfsX13) results in a premature termination codon, predicted to cause a truncation of the encoded protein or absence of the protein due to nonsense mediated decay, which are commonly known mechanisms for disease. Truncations downstream of this position have been classified as pathogenic by our laboratory. The variant allele was found at a frequency of 8e-06 in 251312 control chromosomes. c.563delT has been reported in the literature in individuals affected with Bardet-Biedl Syndrome (example, Xing_2014, Dan_2020, Meng_2021). These data indicate that the variant is likely to be associated with disease. To our knowledge, no experimental evidence demonstrating an impact on protein function has been reported. Two clinical diagnostic laboratories have submitted clinical-significance assessments for this variant to ClinVar after 2014 without evidence for independent evaluation. All laboratories classified the variant as pathogenic/likely pathogenic. Based on the evidence outlined above, the variant was classified as pathogenic.

Institute of Human Genetics, Univ. Regensburg, Univ. Regensburg
Classification: Pathogenic for Retinal dystrophy. Last evaluated: 2018-01-01. Review status: criteria provided, single submitter. Criteria: ACMG Guidelines, 2015. Collection method: clinical testing. Allele origin: germline. Affected: yes.

Juno Genomics, Hangzhou Juno Genomics, Inc
Classification: Pathogenic for Bardet-Biedl syndrome 2; Retinitis pigmentosa 74. Review status: criteria provided, single submitter. Criteria: ACMG Guidelines, 2015. Collection method: clinical testing. Allele origin: germline.
Comment: Absent from controls (or at extremely low frequency if recessive) in Genome Aggregation Database.;Null variant in a gene where loss of function (LOF) is a known mechanism of disease.;For recessive disorders, detected in trans with a pathogenic variant.

Counsyl
Classification: Likely pathogenic for Bardet-Biedl syndrome 2. Last evaluated: 2017-06-14. Review status: no assertion criteria provided. Collection method: clinical testing. Allele origin: unknown. Not counted in ClinVar's aggregate classification.

Department of Pediatrics, National Cheng-Kung University Hospital
Classification: Pathogenic for Bardet-Biedl syndrome 2. Review status: no assertion criteria provided. Collection method: clinical testing. Allele origin: germline. Inheritance: Autosomal recessive inheritance. Affected: yes. Not counted in ClinVar's aggregate classification.

Literature cited by the submitters: PubMed 24608809 (cited by 5 submitters); PubMed 31960602 (cited by 4 submitters); PubMed 11285252 (cited by Labcorp Genetics (formerly Invitae), Labcorp); PubMed 20177705 (cited by Labcorp Genetics (formerly Invitae), Labcorp); PubMed 26518167 (cited by Labcorp Genetics (formerly Invitae), Labcorp); PubMed 33777945 (cited by Women's Health and Genetics/Laboratory Corporation of America, LabCorp and Institute of Human Genetics, Univ. Regensburg, Univ. Regensburg); PubMed 31964843 (cited by Institute of Human Genetics, Univ. Regensburg, Univ. Regensburg).

NM_031885.5(BBS2):c.563del (p.Ile188fs)

Gene: BBS2 (Bardet-Biedl syndrome 2; minus strand). Cytogenetic location: 16q13.
Variant type: Deletion.
Coding change: c.563del on transcript NM_031885.5 (MANE Select); coding-DNA position 563, one base deleted (T; older notation c.563delT).
Protein change: p.Ile188fs; shifts the reading frame from isoleucine 188.
Molecular consequence: frameshift variant. On other transcripts: non-coding transcript variant (5).
Genome position (GRCh38, 1-based): chr16:56,510,006, A deleted on the plus strand (T on the coding strand, the reverse complement: BBS2 is on the minus strand). VCF-style (leftmost placement, unchanged base first): chr16-56510005-GA-G. GRCh37 (hg19) VCF-style: chr16-56543917-GA-G.
Other names: c.563del (NM_031885.3); c.563del, p.Ile188fs (NM_001377456.1); short protein forms I188fs.
Identifiers: ClinVar variation 552531 (VCV000552531.23), dbSNP rs1367927635, ClinGen allele CA622311679.